The following is an entry in ClinVar:

ClinVar aggregate classification (germline): Likely benign (1 of 4 stars; one submission).

Allele frequency attached by ClinVar (database versions not stated): 1000 Genomes Project 30x 0.00265; 1000 Genomes Project 0.00280; ESP Exome Variant Server 0.00484; ExAC 0.00510; gnomAD 0.00520; TOPMed 0.00560; gnomAD exomes 0.00694.
gnomAD v4.1: 10,731 of 1,599,392 alleles (0.67%); highest among the groups gnomAD compares: Admixed American, 0.89%; 58 homozygotes.

Submission:

CeGaT Center for Human Genetics Tuebingen
Classification: Likely benign. Last evaluated: 2025-12-01. Review status: criteria provided, single submitter. Criteria: CeGaT Center For Human Genetics Tuebingen Variant Classification Criteria Version 2. Collection method: clinical testing. Allele origin: germline. Affected: yes. Observed: 5 variant alleles.
Comment: SEC31A: BP4, BS2

NM_001077207.4(SEC31A):c.1890T>C (p.Thr630=)

Gene: SEC31A (SEC31 homolog A, COPII component; minus strand). Cytogenetic location: 4q21.22.
Variant type: single nucleotide variant.
Coding change: c.1890T>C on transcript NM_001077207.4 (MANE Select); coding-DNA position 1890, T replaced by C.
Protein change: p.Thr630=; no amino-acid change (threonine 630 retained).
Molecular consequence: synonymous variant.
Genome position (GRCh38, 1-based): chr4:82,855,021, A>G on the plus strand (T>C on the coding strand, the complement: SEC31A is on the minus strand). VCF-style: chr4-82855021-A-G. GRCh37 (hg19) VCF-style: chr4-83776174-A-G.
Other names: c.1890T>C, p.Thr630= (NM_001077206.4, NM_001077208.4, NM_001400217.1 and 17 more transcripts); c.1875T>C, p.Thr625= (NM_001191049.2, NM_001400212.1, NM_001400214.1); c.1812T>C, p.Thr604= (NM_001400211.1, NM_001400221.1, NM_001400222.1 and 7 more transcripts); c.1773T>C, p.Thr591= (NM_001400213.1, NM_001400218.1, NM_001400223.1 and 10 more transcripts); c.1611T>C, p.Thr537= (NM_001400215.1); c.1851T>C, p.Thr617= (NM_001400216.1, NM_001400162.1, NM_001400165.1 and 5 more transcripts); c.1416T>C, p.Thr472= (NM_001400224.1).
Identifiers: ClinVar variation 2654851 (VCV002654851.24), dbSNP rs138143090, ClinGen allele CA2986443.